The following is an entry in ClinVar:

NM_201384.3(PLEC):c.11297G>A (p.Arg3766Gln)

Gene: PLEC (plectin; minus strand). Cytogenetic location: 8q24.3.
Variant type: single nucleotide variant.
Coding change: c.11297G>A on transcript NM_201384.3 (MANE Select); coding-DNA position 11297, G replaced by A.
Protein change: p.Arg3766Gln; replaces arginine 3766 with glutamine.
Molecular consequence: missense variant.
Genome position (GRCh38, 1-based): chr8:143,918,524, C>T on the plus strand (G>A on the coding strand, the complement: PLEC is on the minus strand). VCF-style: chr8-143918524-C-T. GRCh37 (hg19) VCF-style: chr8-144992692-C-T.
Other names: c.11378G>A, p.Arg3793Gln (NM_000445.5); c.7997G>A, p.Arg2666Gln (NM_001410941.1); c.11255G>A, p.Arg3752Gln (NM_201378.4); c.11231G>A, p.Arg3744Gln (NM_201379.3); c.11708G>A, p.Arg3903Gln (NM_201380.4); c.11201G>A, p.Arg3734Gln (NM_201381.3); c.11297G>A, p.Arg3766Gln (NM_201382.4); c.11309G>A, p.Arg3770Gln (NM_201383.3); short protein forms R2666Q, R3734Q, R3744Q, R3752Q, R3766Q, R3770Q, R3793Q, R3903Q.
Identifiers: ClinVar variation 3763210 (VCV003763210.2).
Genomic context (GRCh38, chr8:143,918,524, plus strand): 5'-ATGGCCTGGAAGAGCGAGATGGTCTGCTCGGTGTAGGGGTCACGGTAGCCGGTGACCGCC[C>T]GCTCAGCCGAGAGCAGGCGGTCGTGCAGCTCGGGCCCCACGAGGCCCTTCCGCACAGCCT-3'
Protein context (NP_958786.1, residues 3756-3776): ELHDRLLSAE[Arg3766Gln]AVTGYRDPYT

ClinVar aggregate classification (germline): Uncertain significance (1 of 4 stars; one submission).

Conditions:
Epidermolysis bullosa simplex with nail dystrophy (EBS5D). Identifiers: MedGen C4225309, MONDO:0014661, OMIM 616487.
Epidermolysis bullosa simplex, Ogna type (EBS5A). Also called: EPIDERMOLYSIS BULLOSA SIMPLEX 5A, OGNA TYPE; Pidermolysis bullosa simplex 5A, Ogna type. Identifiers: Orphanet 79401, MedGen C0432317, MONDO:0007555, OMIM 131950.
Autosomal recessive limb-girdle muscular dystrophy type 2Q (LGMDR17). Also called: MUSCULAR DYSTROPHY, LIMB-GIRDLE, AUTOSOMAL RECESSIVE 17. Identifiers: Orphanet 254361, MedGen C3150989, MONDO:0013390, OMIM 613723.
Epidermolysis bullosa simplex 5B, with muscular dystrophy (EBS5B). Also called: EPIDERMOLYSIS BULLOSA SIMPLEX AND LIMB-GIRDLE MUSCULAR DYSTROPHY; Epidermolysis bullosa simplex with muscular dystrophy. Identifiers: Orphanet 257, MedGen C2931072, MONDO:0009181, OMIM 226670.
Epidermolysis bullosa simplex 5C, with pyloric atresia (EBS5C). Also called: PLEC1-Related Epidermolysis Bullosa with Pyloric Atresia; PLEC-Related Epidermolysis Bullosa with Pyloric Atresia; Epidermolysis bullosa simplex with pyloric atresia. Identifiers: Orphanet 158684, MedGen C2677349, MONDO:0012807, OMIM 612138.

gnomAD v4.1: 13 of 1,608,192 alleles (0.00081%); highest among the groups gnomAD compares: Non-Finnish European, 0.00068%; no homozygotes.

Submission:

Labcorp Genetics (formerly Invitae), Labcorp
Classification: Uncertain significance for Autosomal recessive limb-girdle muscular dystrophy type 2Q; Epidermolysis bullosa simplex, Ogna type; Epidermolysis bullosa simplex with nail dystrophy; Epidermolysis bullosa simplex 5C, with pyloric atresia; Epidermolysis bullosa simplex 5B, with muscular dystrophy. Last evaluated: 2025-01-07. Review status: criteria provided, single submitter. Criteria: Invitae Variant Classification Sherloc (09022015). Collection method: clinical testing. Allele origin: germline.
Comment: This sequence change replaces arginine, which is basic and polar, with glutamine, which is neutral and polar, at codon 3793 of the PLEC protein (p.Arg3793Gln). This variant is present in population databases (no rsID available, gnomAD 0.007%). This variant has not been reported in the literature in individuals affected with PLEC-related conditions. An algorithm developed to predict the effect of missense changes on protein structure and function (PolyPhen-2) suggests that this variant is likely to be disruptive. In summary, the available evidence is currently insufficient to determine the role of this variant in disease. Therefore, it has been classified as a Variant of Uncertain Significance.